The following is an entry in ClinVar:

NM_004453.4(ETFDH):c.1785del (p.Asp596fs)

Gene: ETFDH (electron transfer flavoprotein dehydrogenase; plus strand). Cytogenetic location: 4q32.1.
Variant type: Deletion.
Coding change: c.1785del on transcript NM_004453.4 (MANE Select); coding-DNA position 1785, one base deleted (A; older notation c.1785delA).
Protein change: p.Asp596fs; shifts the reading frame from aspartic acid 596.
Molecular consequence: frameshift variant.
Genome position (GRCh38, 1-based): chr4:158,708,458, A deleted; the last of 3 consecutive A bases (chr4:158,708,456-158,708,458); deleting any one gives the same sequence. VCF-style (leftmost placement, unchanged base first): chr4-158708455-TA-T. GRCh37 (hg19) VCF-style: chr4-159629607-TA-T.
Other names: c.1644del, p.Asp549fs (NM_001281737.2); c.1602del, p.Asp535fs (NM_001281738.1); short protein forms D535fs, D549fs, D596fs.
Identifiers: ClinVar variation 1066475 (VCV001066475.11), dbSNP rs2126321079, ClinGen allele CA2499217148.

ClinVar aggregate classification (germline): Pathogenic (1 of 4 stars; one submission).

Conditions:
Multiple acyl-CoA dehydrogenase deficiency (MADD). Also called: Glutaric aciduria, type 2; Glutaric Acidemia type 2; Glutaric acidemia type II; GA 2; ETHYLMALONIC-ADIPICACIDURIA; GA II. Identifiers: Orphanet 26791, MedGen C0268596, MONDO:0009282, OMIM 231680.

Submission:

Labcorp Genetics (formerly Invitae), Labcorp
Classification: Pathogenic for Multiple acyl-CoA dehydrogenase deficiency. Last evaluated: 2022-09-26. Review status: criteria provided, single submitter. Criteria: Invitae Variant Classification Sherloc (09022015). Collection method: clinical testing. Allele origin: germline.
Comment: This variant is not present in population databases (gnomAD no frequency). This variant has not been reported in the literature in individuals affected with ETFDH-related conditions. ClinVar contains an entry for this variant (Variation ID: 1066475). This variant disrupts a region of the ETFDH protein in which other variant(s) (p.Gly611Glu) have been determined to be pathogenic (PMID: 12359134; Invitae). This suggests that this is a clinically significant region of the protein, and that variants that disrupt it are likely to be disease-causing. For these reasons, this variant has been classified as Pathogenic. This sequence change results in a frameshift in the ETFDH gene (p.Asp596Ilefs*43). While this is not anticipated to result in nonsense mediated decay, it is expected to disrupt the last 22 amino acid(s) of the ETFDH protein and extend the protein by 20 additional amino acid residues.

Literature cited by the submitters: PubMed 12359134.